The following is an entry in ClinVar:

ClinVar aggregate classification (germline): Uncertain significance. Review status: criteria provided, multiple submitters, no conflicts (2 of 4 stars). 3 submissions from 3 submitters: Uncertain significance (3). Last evaluated 2026-05-16.

Conditions:
Inborn genetic diseases. Identifiers: MedGen C0950123, MeSH D030342.

Allele frequency attached by ClinVar (database versions not stated): ESP Exome Variant Server 0.00062; TOPMed 0.00062; ExAC 0.00015; gnomAD 0.00048.
gnomAD v4.1: 127 of 1,578,966 alleles (0.008%); highest among the groups gnomAD compares: African/African-American, 0.15%; no homozygotes.

Submissions (3):

GeneDx
Classification: Uncertain significance. Last evaluated: 2026-05-16. Review status: criteria provided, single submitter. Criteria: GeneDx Variant Classification Process June 2021. Collection method: clinical testing. Allele origin: germline.
Comment: Published in vitro functional study showed p.I636L variant does not affect DPYD expression or enzymatic activity; however, further studies are needed (PMID: 24648345); In silico analysis suggests that this missense variant does not alter protein structure/function; This variant is associated with the following publications: (PMID: 24648345)

Women's Health and Genetics/Laboratory Corporation of America, LabCorp
Classification: Uncertain significance. Last evaluated: 2024-12-24. Review status: criteria provided, single submitter. Criteria: LabCorp Variant Classification Summary - May 2015. Collection method: clinical testing. Allele origin: germline.
Comment: Variant summary: DPYD c.1906A>C (p.Ile636Leu) results in a conservative amino acid change located in the Dihydroorotate dehydrogenase domain (IPR005720) of the encoded protein sequence. Three of five in-silico tools predict a damaging effect of the variant on protein function. The variant allele was found at a frequency of 9.8e-05 in 235786 control chromosomes, predominantly at a frequency of 0.0013 within the African or African-American subpopulation in the gnomAD database. This frequency is not significantly higher than estimated for a pathogenic variant in DPYD causing Dihydropyrimidine Dehydrogenase Deficiency (9.8e-05 vs 0.0025), allowing no conclusion about variant significance. To our knowledge, no occurrence of c.1906A>C in individuals affected with Dihydropyrimidine Dehydrogenase Deficiency and no experimental evidence demonstrating its impact on protein function have been reported. ClinVar contains an entry for this variant (Variation ID: 1782389). Based on the evidence outlined above, the variant was classified as uncertain significance.

Ambry Genetics
Classification: Uncertain significance for Inborn genetic diseases. Last evaluated: 2024-08-12. Review status: criteria provided, single submitter. Criteria: Ambry Variant Classification Scheme 2023. Collection method: clinical testing. Allele origin: germline.

NM_000110.4(DPYD):c.1906A>C (p.Ile636Leu)

Gene: DPYD (dihydropyrimidine dehydrogenase; minus strand). Cytogenetic location: 1p21.3.
Variant type: single nucleotide variant.
Coding change: c.1906A>C on transcript NM_000110.4 (MANE Select); coding-DNA position 1906, A replaced by C.
Protein change: p.Ile636Leu; replaces isoleucine 636 with leucine.
Molecular consequence: missense variant.
Genome position (GRCh38, 1-based): chr1:97,382,461, T>G on the plus strand (A>C on the coding strand, the complement: DPYD is on the minus strand). VCF-style: chr1-97382461-T-G. GRCh37 (hg19) VCF-style: chr1-97848017-T-G.
Other names: short protein forms I636L.
Identifiers: ClinVar variation 1782389 (VCV001782389.6), dbSNP rs55971861, ClinGen allele CA963194.